The following is an entry in ClinVar:

NM_015443.4(KANSL1):c.2752G>T (p.Ala918Ser)

Gene: KANSL1 (KAT8 regulatory NSL complex subunit 1). Cytogenetic location: 17q21.31.
Variant type: single nucleotide variant.
Coding change: c.2752G>T on transcript NM_015443.4 (MANE Select); coding-DNA position 2752, G replaced by T.
Protein change: p.Ala918Ser; replaces alanine 918 with serine.
Molecular consequence: missense variant.
Genome position (GRCh38, 1-based): chr17:46,033,165, C>A on the plus strand (G>T on the coding strand, the complement: KANSL1 is on the minus strand). VCF-style: chr17-46033165-C-A. GRCh37 (hg19) VCF-style: chr17-44110531-C-A.
Other names: c.2749G>T, p.Ala917Ser (NM_001193465.2); c.2752G>T, p.Ala918Ser (NM_001193466.2, NM_001379198.1); short protein forms A917S, A918S.
Identifiers: ClinVar variation 1063583 (VCV001063583.9), dbSNP rs752325882, ClinGen allele CA399987773.
Genomic context (GRCh38, chr17:46,033,165, plus strand): 5'-CACTCGTGGTCCACAGCCACCGTGCCCTCTCCATCTCCTCACATTTGGCATGCAGGGCGG[C>A]GAAGGCTGCGTCGGATAGGTCCTCAATCTGCAATAGAGCAGCTTCATCGATCCCCTCTTT-3'
Protein context (NP_056258.1, residues 908-928): EIEDLSDAAF[Ala918Ser]ALHAKCEEME

ClinVar aggregate classification (germline): Uncertain significance. Review status: criteria provided, multiple submitters, no conflicts (2 of 4 stars). 2 submissions from 2 submitters: Uncertain significance (2). Last evaluated 2023-10-22.

Conditions:
Koolen-de Vries syndrome (KDVS). Identifiers: Orphanet 96169, MedGen C1864871, MONDO:0012496, OMIM 610443.

Allele frequency attached by ClinVar (database versions not stated): TOPMed below 0.00001.
gnomAD v4.1: 18 of 1,604,720 alleles (0.0011%); highest among the groups gnomAD compares: Non-Finnish European, 0.0015%; no homozygotes.

Submissions (2):

Labcorp Genetics (formerly Invitae), Labcorp
Classification: Uncertain significance for Koolen-de Vries syndrome. Last evaluated: 2023-10-22. Review status: criteria provided, single submitter. Criteria: Invitae Variant Classification Sherloc (09022015). Collection method: clinical testing. Allele origin: germline.
Comment: This sequence change replaces alanine, which is neutral and non-polar, with serine, which is neutral and polar, at codon 918 of the KANSL1 protein (p.Ala918Ser). The frequency data for this variant in the population databases is considered unreliable, as metrics indicate poor data quality at this position in the gnomAD database. This variant has not been reported in the literature in individuals affected with KANSL1-related conditions. ClinVar contains an entry for this variant (Variation ID: 1063583). Advanced modeling of protein sequence and biophysical properties (such as structural, functional, and spatial information, amino acid conservation, physicochemical variation, residue mobility, and thermodynamic stability) performed at Invitae indicates that this missense variant is not expected to disrupt KANSL1 protein function. In summary, the available evidence is currently insufficient to determine the role of this variant in disease. Therefore, it has been classified as a Variant of Uncertain Significance.

Fulgent Genetics
Classification: Uncertain significance for Koolen-de Vries syndrome. Last evaluated: 2022-02-17. Review status: criteria provided, single submitter. Criteria: ACMG Guidelines, 2015. Collection method: clinical testing. Allele origin: unknown.